The following is an entry in ClinVar:

NM_001080421.3(UNC13A):c.871G>A (p.Asp291Asn)

Gene: UNC13A (unc-13 homolog A; minus strand). Cytogenetic location: 19p13.11.
Variant type: single nucleotide variant.
Coding change: c.871G>A on transcript NM_001080421.3 (MANE Select); coding-DNA position 871, G replaced by A.
Protein change: p.Asp291Asn; replaces aspartic acid 291 with asparagine.
Molecular consequence: missense variant.
Genome position (GRCh38, 1-based): chr19:17,656,295, C>T on the plus strand (G>A on the coding strand, the complement: UNC13A is on the minus strand). VCF-style: chr19-17656295-C-T. GRCh37 (hg19) VCF-style: chr19-17767104-C-T.
Other names: c.871G>A, p.Asp291Asn (NM_001387021.1, NM_001387022.1, NM_001387023.1); short protein forms D291N.
Identifiers: ClinVar variation 3055162 (VCV003055162.3), dbSNP rs779116109, ClinGen allele CA9298640.

ClinVar aggregate classification (germline): Uncertain significance. Review status: criteria provided, single submitter (1 of 4 stars). 2 submissions from 2 submitters: Uncertain significance (1). 1 of the submissions does not count toward it. Last evaluated 2025-06-10.

Conditions:
UNC13A-related disorder. Also called: UNC13A-related condition.

Allele frequency attached by ClinVar (database versions not stated): TOPMed 0.00005; gnomAD 0.00005; ExAC 0.00009.
gnomAD v4.1: 103 of 1,553,134 alleles (0.0066%); highest among the groups gnomAD compares: East Asian, 0.23%; no homozygotes.

Submissions (2):

Ambry Genetics
Classification: Uncertain significance. Last evaluated: 2025-06-10. Review status: criteria provided, single submitter. Criteria: Ambry Variant Classification Scheme 2023. Collection method: clinical testing. Allele origin: germline.

PreventionGenetics, part of Exact Sciences
Classification: Likely benign for UNC13A-related condition. Last evaluated: 2023-12-19. Review status: no assertion criteria provided. Collection method: clinical testing. Allele origin: germline. Not counted in ClinVar's aggregate classification.
Comment: This variant is classified as likely benign based on ACMG/AMP sequence variant interpretation guidelines (Richards et al. 2015 PMID: 25741868, with internal and published modifications).